The following is an entry in ClinVar:

NM_001004334.4(GPR179):c.1948G>A (p.Glu650Lys)

Gene: GPR179 (G protein-coupled receptor 179; minus strand). Cytogenetic location: 17q12.
Variant type: single nucleotide variant.
Coding change: c.1948G>A on transcript NM_001004334.4 (MANE Select); coding-DNA position 1948, G replaced by A.
Protein change: p.Glu650Lys; replaces glutamic acid 650 with lysine.
Molecular consequence: missense variant.
Genome position (GRCh38, 1-based): chr17:38,333,340, C>T on the plus strand (G>A on the coding strand, the complement: GPR179 is on the minus strand). VCF-style: chr17-38333340-C-T. GRCh37 (hg19) VCF-style: chr17-36489223-C-T.
Other names: c.1948G>A (NM_001004334.2); short protein forms E650K.
Identifiers: ClinVar variation 1419939 (VCV001419939.5), dbSNP rs186221885, ClinGen allele CA290106857.
Genomic context (GRCh38, chr17:38,333,340, plus strand): 5'-CACTCCAGGCTGAGGCGATGCTGCTGCCAAGGTAGGAGCCTGAGTGCTGCAGGTCCAGCT[C>T]GTCCTCACACACCTCATCCACCATCTCCTCCCGGGGAGGAGCCCCCAGCTTCCAGAACTG-3'
Protein context (NP_001004334.3, residues 640-660): EEMVDEVCED[Glu650Lys]LDLQHSGSYL

ClinVar aggregate classification (germline): Uncertain significance. Review status: criteria provided, multiple submitters, no conflicts (2 of 4 stars). 3 submissions from 3 submitters: Uncertain significance (3). Last evaluated 2025-08-27.

Conditions:
Inborn genetic diseases. Identifiers: MedGen C0950123, MeSH D030342.

Allele frequency attached by ClinVar (database versions not stated): gnomAD exomes 0.00001 and 0.00002; ExAC 0.00003; gnomAD 0.00004 and 0.00006; TOPMed 0.00005; ESP Exome Variant Server 0.00008; 1000 Genomes Project 30x 0.00016; 1000 Genomes Project 0.00020.
gnomAD v4.1: 26 of 1,614,070 alleles (0.0016%); highest among the groups gnomAD compares: African/African-American, 0.013%; no homozygotes.

Submissions (3):

Ambry Genetics
Classification: Uncertain significance for Inborn genetic diseases. Last evaluated: 2025-08-27. Review status: criteria provided, single submitter. Criteria: Ambry Variant Classification Scheme 2023. Collection method: clinical testing. Allele origin: germline.

Blueprint Genetics
Classification: Uncertain significance. Last evaluated: 2023-06-29. Review status: criteria provided, single submitter. Criteria: ACMG Guidelines, 2015. Collection method: clinical testing. Allele origin: germline.

Labcorp Genetics (formerly Invitae), Labcorp
Classification: Uncertain significance. Last evaluated: 2022-10-17. Review status: criteria provided, single submitter. Criteria: Invitae Variant Classification Sherloc (09022015). Collection method: clinical testing. Allele origin: germline.
Comment: This sequence change replaces glutamic acid, which is acidic and polar, with lysine, which is basic and polar, at codon 650 of the GPR179 protein (p.Glu650Lys). This variant is present in population databases (rs186221885, gnomAD 0.02%). This variant has not been reported in the literature in individuals affected with GPR179-related conditions. ClinVar contains an entry for this variant (Variation ID: 1419939). Algorithms developed to predict the effect of missense changes on protein structure and function are either unavailable or do not agree on the potential impact of this missense change (SIFT: "Tolerated"; PolyPhen-2: "Possibly Damaging"; Align-GVGD: "Class C0"). In summary, the available evidence is currently insufficient to determine the role of this variant in disease. Therefore, it has been classified as a Variant of Uncertain Significance.